The following is an entry in ClinVar:

ClinVar aggregate classification (germline): Uncertain significance. Review status: criteria provided, multiple submitters, no conflicts (2 of 4 stars). 2 submissions from 2 submitters: Uncertain significance (2). Last evaluated 2026-04-15.

Conditions:
PCDH15-related disorder. Also called: PCDH15-related disorders; PCDH15-related condition.

Submissions (2):

PreventionGenetics, part of Exact Sciences
Classification: Uncertain significance for PCDH15-related condition. Last evaluated: 2026-04-15. Review status: criteria provided, single submitter. Criteria: ACMG Guidelines, 2015. Collection method: clinical testing. Allele origin: germline.
Comment: The PCDH15 c.4715_4741del27 variant is predicted to result in an in-frame deletion (p.Gly1572_Glu1580del). To our knowledge, this variant has not been reported in the literature. This variant is reported in 0.024% of alleles in individuals of European (Non-Finnish) descent in gnomAD. At this time, the clinical significance of this variant is uncertain due to the absence of conclusive functional and genetic evidence.

Blueprint Genetics
Classification: Uncertain significance. Last evaluated: 2024-11-01. Review status: criteria provided, single submitter. Criteria: ACMG Guidelines, 2015. Collection method: clinical testing. Allele origin: germline.

NM_001384140.1(PCDH15):c.4671+1206_4671+1232del

Gene: PCDH15 (protocadherin related 15; minus strand). Cytogenetic location: 10q21.1.
Variant type: Deletion.
Coding change: c.4671+1206_4671+1232del on transcript NM_001384140.1 (MANE Select); bases 1206 to 1232 of the intron after coding-DNA position 4671, 27 bases deleted (GTGAAGAGTGGCAGAGACGCCTTGAGG).
Molecular consequence: intron variant. On other transcripts: inframe indel (1), 3 prime UTR variant (1), inframe deletion (1).
Genome position (GRCh38, 1-based): chr10:53,809,324-53,809,350, CCTCAAGGCGTCTCTGCCACTCTTCAC deleted on the plus strand (GTGAAGAGTGGCAGAGACGCCTTGAGG on the coding strand, the reverse complement: PCDH15 is on the minus strand); deleting any 27 consecutive bases within chr10:53,809,324-53,809,358 gives the same sequence; the c. name uses the placement nearest the transcript's 3' end. VCF-style (leftmost placement, unchanged base first): chr10-53809323-TCCTCAAGGCGTCTCTGCCACTCTTCAC-T. GRCh37 (hg19) VCF-style: chr10-55569083-TCCTCAAGGCGTCTCTGCCACTCTTCAC-T.
Other names: c.4715_4741del27 (NM_001142769.1); c.4707_4733del27, p.Gly1572_Glu1580del (NM_001142769.4); c.*130_*156del (NM_001142770.3); c.4694_4720del, p.Gly1565_Glu1573del (NM_001354411.2); c.4476+1206_4476+1232del (NM_001354420.2); c.4605+1206_4605+1232del (NM_001354429.2); c.4482+1206_4482+1232del (NM_001142772.2); c.4497+1206_4497+1232del (NM_001142771.2).
Identifiers: ClinVar variation 4907349 (VCV004907349.2).